The following is an entry in ClinVar:

ClinVar aggregate classification (germline): Uncertain significance. Review status: criteria provided, multiple submitters, no conflicts (2 of 4 stars). 2 submissions from 2 submitters: Uncertain significance (2). Last evaluated 2026-04-02.

Conditions:
Hereditary cancer-predisposing syndrome. Also called: Neoplastic Syndromes, Hereditary; Tumor predisposition; Hereditary Cancer Syndrome; Hereditary neoplastic syndrome. Identifiers: Orphanet 140162, MedGen C0027672, MeSH D009386, MONDO:0015356.

Submissions (2):

Ambry Genetics
Classification: Uncertain significance for Hereditary cancer-predisposing syndrome. Last evaluated: 2026-04-02. Review status: criteria provided, single submitter. Criteria: Ambry Variant Classification Scheme 2023. Collection method: clinical testing. Allele origin: germline.
Comment: The c.1065-4C>G intronic variant results from a C to G substitution 4 nucleotides upstream from coding exon 9 in the SDHA gene. This nucleotide position is not well conserved in available vertebrate species. In silico splice site analysis predicts that this alteration will result in the creation or strengthening of a novel splice acceptor site. RNA studies have demonstrated that this alteration results in a transcript predicted to lead to a protein with an in-frame insertion of 1 amino acid; however, the exact functional impact of the inserted amino acid is unknown at this time (Ambry internal data). Since supporting evidence is limited at this time, the clinical significance of this alteration remains unclear.

GeneDx
Classification: Uncertain significance. Last evaluated: 2023-09-12. Review status: criteria provided, single submitter. Criteria: GeneDx Variant Classification Process June 2021. Collection method: clinical testing. Allele origin: germline. Affected: yes.
Comment: Not observed at significant frequency in large population cohorts (gnomAD); In silico analysis supports a deleterious effect on splicing; Has not been previously published as pathogenic or benign to our knowledge

NM_004168.4(SDHA):c.1065-4C>G

Gene: SDHA (succinate dehydrogenase complex flavoprotein subunit A; plus strand). Cytogenetic location: 5p15.33.
Variant type: single nucleotide variant.
Coding change: c.1065-4C>G on transcript NM_004168.4 (MANE Select); 4 bases into the intron before coding-DNA position 1065, C replaced by G.
Molecular consequence: intron variant.
Genome position (GRCh38, 1-based): chr5:235,140, C>G. VCF-style: chr5-235140-C-G. GRCh37 (hg19) VCF-style: chr5-235255-C-G.
Other names: c.1065-4C>G (NM_001330758.2); c.921-4C>G (NM_001294332.2).
Identifiers: ClinVar variation 2567107 (VCV002567107.4), dbSNP rs575007678, ClinGen allele CA2580613500.